The following is an entry in ClinVar:

ClinVar aggregate classification (germline): Likely pathogenic. Review status: criteria provided, multiple submitters, no conflicts (2 of 4 stars). 2 submissions from 2 submitters: Likely pathogenic (2). Last evaluated 2024-01-19.

Conditions:
Rhabdoid tumor predisposition syndrome 2 (RTPS2). Identifiers: Orphanet 231108, Orphanet 69077, MedGen C2750074, MONDO:0013224, OMIM 613325.

Submissions (2):

Labcorp Genetics (formerly Invitae), Labcorp
Classification: Likely pathogenic for Rhabdoid tumor predisposition syndrome 2. Last evaluated: 2024-01-19. Review status: criteria provided, single submitter. Criteria: Invitae Variant Classification Sherloc (09022015). Collection method: clinical testing. Allele origin: germline.
Comment: This sequence change affects a donor splice site in intron 15 of the SMARCA4 gene. It is expected to disrupt RNA splicing. Variants that disrupt the donor or acceptor splice site typically lead to a loss of protein function (PMID: 16199547), and loss-of-function variants in SMARCA4 are known to be pathogenic (PMID: 24658001, 24658002). This variant is not present in population databases (gnomAD no frequency). This variant has not been reported in the literature in individuals affected with SMARCA4-related conditions. Algorithms developed to predict the effect of sequence changes on RNA splicing suggest that this variant may disrupt the consensus splice site. In summary, the currently available evidence indicates that the variant is pathogenic, but additional data are needed to prove that conclusively. Therefore, this variant has been classified as Likely Pathogenic.

Institute for Genomic Medicine (IGM) Clinical Laboratory, Nationwide Children's Hospital
Classification: Likely pathogenic for Rhabdoid tumor predisposition syndrome 2. Last evaluated: 2022-08-11. Review status: criteria provided, single submitter. Criteria: ACMG Guidelines, 2015. Collection method: clinical testing. Allele origin: germline.
Comment: This variant is predicted to result in loss of function through nonsense-mediated decay of the encoded transcript or premature truncation of the encoded protein in a gene in which loss of function is a known mechanism of disease (ACMG/AMP: PVS1; PMIDs:25060813, 34642211). This variant is absent from or present at an exceedingly low frequency in gnomAD, a large-scale control population database (ACMG/AMP: PM2).

Literature cited by the submitters: PubMed 16199547 (cited by Labcorp Genetics (formerly Invitae), Labcorp); PubMed 24658001 (cited by Labcorp Genetics (formerly Invitae), Labcorp); PubMed 24658002 (cited by Labcorp Genetics (formerly Invitae), Labcorp); PubMed 25060813 (cited by Institute for Genomic Medicine (IGM) Clinical Laboratory, Nationwide Children's Hospital); PubMed 34642211 (cited by Institute for Genomic Medicine (IGM) Clinical Laboratory, Nationwide Children's Hospital).

NM_003072.5(SMARCA4):c.2274+1G>T

Gene: SMARCA4 (SWI/SNF related BAF chromatin remodeling complex subunit ATPase 4; plus strand). Cytogenetic location: 19p13.2.
Variant type: single nucleotide variant.
Coding change: c.2274+1G>T on transcript NM_003072.5 (MANE Select); the canonical splice donor site of the intron after coding-DNA position 2274, G replaced by T.
Molecular consequence: splice donor variant.
Genome position (GRCh38, 1-based): chr19:11,010,532, G>T. VCF-style: chr19-11010532-G-T. GRCh37 (hg19) VCF-style: chr19-11121208-G-T.
Other names: c.2274+1G>T (NM_001128844.3, NM_001128849.3, NM_001128847.4 and 6 more transcripts).
Identifiers: ClinVar variation 2692906 (VCV002692906.4), dbSNP rs867740591, ClinGen allele CA404052987.
Genomic context (GRCh38, chr19:11,010,532, plus strand): 5'-ACTGAGAGAGTGGACAAGCAGTCAGCGCTTATGGTCAATGGTGTCCTCAAACAGTACCAG[G>T]TGAGGTAGGGGGTGGGGAGGCCACCGCCACGTAGCTGCCTCGGTGCAGGTGTTCCCAGGT-3'